The following is an entry in ClinVar:

NM_024675.4(PALB2):c.3421G>C (p.Asp1141His)

Gene: PALB2 (partner and localizer of BRCA2; minus strand). Cytogenetic location: 16p12.2.
Variant type: single nucleotide variant.
Coding change: c.3421G>C on transcript NM_024675.4 (MANE Select); coding-DNA position 3421, G replaced by C.
Protein change: p.Asp1141His; replaces aspartic acid 1141 with histidine.
Molecular consequence: missense variant.
Genome position (GRCh38, 1-based): chr16:23,603,599, C>G on the plus strand (G>C on the coding strand, the complement: PALB2 is on the minus strand). VCF-style: chr16-23603599-C-G. GRCh37 (hg19) VCF-style: chr16-23614920-C-G.
Other names: short protein forms D1141H.
Identifiers: ClinVar variation 490084 (VCV000490084.8), dbSNP rs1064795975, ClinGen allele CA395138209.

ClinVar aggregate classification (germline): Uncertain significance. Review status: criteria provided, multiple submitters, no conflicts (2 of 4 stars). 2 submissions from 2 submitters: Uncertain significance (2). Last evaluated 2023-12-05.

Conditions:
Hereditary cancer-predisposing syndrome. Also called: Hereditary Cancer Syndrome; Neoplastic Syndromes, Hereditary; Tumor predisposition; Hereditary neoplastic syndrome. Identifiers: Orphanet 140162, MedGen C0027672, MeSH D009386, MONDO:0015356.

Submissions (2):

Color Diagnostics, LLC DBA Color Health
Classification: Uncertain significance for Hereditary cancer-predisposing syndrome. Last evaluated: 2023-12-05. Review status: criteria provided, single submitter. Criteria: ACMG Guidelines, 2015. Collection method: clinical testing. Allele origin: germline.
Comment: This missense variant replaces aspartic acid with histidine at codon 1141 of the PALB2 protein. Computational prediction suggests that this variant may not impact protein structure and function (internally defined REVEL score threshold <= 0.5, PMID: 27666373). To our knowledge, functional studies have not been reported for this variant. This variant has not been reported in individuals affected with PALB2-related disorders in the literature. This variant has not been identified in the general population by the Genome Aggregation Database (gnomAD). The available evidence is insufficient to determine the role of this variant in disease conclusively. Therefore, this variant is classified as a Variant of Uncertain Significance.

Ambry Genetics
Classification: Uncertain significance for Hereditary cancer-predisposing syndrome. Last evaluated: 2021-08-04. Review status: criteria provided, single submitter. Criteria: Ambry Variant Classification Scheme 2023. Collection method: clinical testing. Allele origin: germline.
Comment: The p.D1141H variant (also known as c.3421G>C), located in coding exon 13 of the PALB2 gene, results from a G to C substitution at nucleotide position 3421. The aspartic acid at codon 1141 is replaced by histidine, an amino acid with similar properties. This amino acid position is conserved. In addition, the in silico prediction for this alteration is inconclusive. Since supporting evidence is limited at this time, the clinical significance of this alteration remains unclear.